The following is an entry in ClinVar:

NM_004006.3(DMD):c.10594G>A (p.Glu3532Lys)

Gene: DMD (dystrophin; minus strand). Cytogenetic location: Xp21.2.
Variant type: single nucleotide variant.
Coding change: c.10594G>A on transcript NM_004006.3 (MANE Select); coding-DNA position 10594, G replaced by A.
Protein change: p.Glu3532Lys; replaces glutamic acid 3532 with lysine.
Molecular consequence: missense variant.
Genome position (GRCh38, 1-based): chrX:31,147,478, C>T on the plus strand (G>A on the coding strand, the complement: DMD is on the minus strand). VCF-style: chrX-31147478-C-T. GRCh37 (hg19) VCF-style: chrX-31165595-C-T.
Other names: c.10570G>A, p.Glu3524Lys (NM_000109.4); c.10582G>A, p.Glu3528Lys (NM_004009.3); c.10225G>A, p.Glu3409Lys (NM_004010.3); c.6571G>A, p.Glu2191Lys (NM_004011.4); c.6562G>A, p.Glu2188Lys (NM_004012.4); c.3214G>A, p.Glu1072Lys (NM_004013.3, NM_004021.3); c.2407G>A, p.Glu803Lys (NM_004014.3); c.1390G>A, p.Glu464Lys (NM_004015.3, NM_004016.3); and 3 more; short protein forms E3532K, E1059K, E1072K, E451K, E962K, E2191K, E3409K, E3524K.
Identifiers: ClinVar variation 282880 (VCV000282880.16), dbSNP rs766716563, ClinGen allele CA10377564.

ClinVar aggregate classification (germline): Conflicting classifications of pathogenicity. Review status: criteria provided, conflicting classifications (1 of 4 stars). 7 submissions from 7 submitters: Uncertain significance (3); Likely benign (3). 1 of the submissions does not count toward it. Last evaluated 2026-05-26.

Conditions:
Dystrophin deficiency.
Duchenne muscular dystrophy (DMD). Also called: MUSCULAR DYSTROPHY, PSEUDOHYPERTROPHIC PROGRESSIVE, DUCHENNE TYPE; Duchenne Muscular Dystrophy (DMD). Identifiers: Orphanet 98896, MedGen C0013264, MONDO:0010679, OMIM 310200.
Cardiomyopathy (CMYO). Also called: Cardiomyopathies. Identifiers: Orphanet 167848, MedGen C0878544, MONDO:0004994, HP:0001638. Inheritance: Various modes of inheritance.
Becker muscular dystrophy (BMD). Also called: Becker Muscular Dystrophy (BMD); MUSCULAR DYSTROPHY, PSEUDOHYPERTROPHIC PROGRESSIVE, BECKER TYPE. Identifiers: Orphanet 98895, MedGen C0917713, MONDO:0010311, OMIM 300376.
Cardiovascular phenotype. Identifiers: MedGen CN230736.

Allele frequency attached by ClinVar (database versions not stated): ExAC 0.00001; gnomAD exomes 0.00001 and 0.00004; gnomAD 0.00005; TOPMed 0.00005.
gnomAD v4.1: 42 of 1,200,483 alleles (0.0035%); highest among the groups gnomAD compares: East Asian, 0.0089%; no homozygotes.

Submissions (7):

Women's Health and Genetics/Laboratory Corporation of America, LabCorp
Classification: Likely benign. Last evaluated: 2026-05-26. Review status: criteria provided, single submitter. Criteria: LabCorp Variant Classification Summary - May 2015. Collection method: clinical testing. Allele origin: germline.
Comment: Variant summary: DMD c.10594G>A (p.Glu3532Lys) results in a conservative amino acid change in the encoded protein sequence. Algorithms developed to predict the effect of missense changes on protein structure and function are either unavailable or do not agree on the potential impact of this missense change. The variant allele was found at a frequency of 3.5e-05 in 1200483 control chromosomes, including 16 hemizygotes, predominantly at a frequency of 4e-05 within the Non-Finnish European subpopulation in the gnomAD v4 database. The observed variant frequency within Non-Finnish European control individuals in the gnomAD database exceeds the estimated maximal expected allele frequency for disease-causing variants in DMD. To our knowledge, no occurrence of c.10594G>A in individuals affected with DMD-related conditions and no experimental evidence demonstrating its impact on protein function have been reported. ClinVar contains an entry for this variant (Variation ID: 282880). Based on the evidence outlined above, the variant was classified as likely benign.

Labcorp Genetics (formerly Invitae), Labcorp
Classification: Likely benign for Duchenne muscular dystrophy. Last evaluated: 2025-11-27. Review status: criteria provided, single submitter. Criteria: Invitae Variant Classification Sherloc (09022015). Collection method: clinical testing. Allele origin: germline.

Ambry Genetics
Classification: Uncertain significance for Cardiovascular phenotype. Last evaluated: 2021-02-23. Review status: criteria provided, single submitter. Criteria: Ambry Variant Classification Scheme 2023. Collection method: clinical testing. Allele origin: germline.
Comment: The p.E3532K variant (also known as c.10594G>A), located in coding exon 75 of the DMD gene, results from a G to A substitution at nucleotide position 10594. The glutamic acid at codon 3532 is replaced by lysine, an amino acid with similar properties. Based on data from gnomAD, the A allele has an overall frequency of 0.001% (2/177877) total alleles studied, with 2 hemizygotes observed. The highest observed frequency was 0.005% (1/18503) of South Asian alleles. This amino acid position is not well conserved in available vertebrate species. In addition, this alteration is predicted to be tolerated by in silico analysis. Since supporting evidence is limited at this time, the clinical significance of this alteration remains unclear.

Blueprint Genetics
Classification: Likely benign. Last evaluated: 2020-07-10. Review status: criteria provided, single submitter. Criteria: ACMG Guidelines, 2015. Collection method: clinical testing. Allele origin: germline.

Eurofins Ntd Llc (ga)
Classification: Uncertain significance. Last evaluated: 2015-08-24. Review status: criteria provided, single submitter. Criteria: EGL Classification Definitions 2015. Collection method: clinical testing. Allele origin: germline. Observed: 1 variant allele, 1 hemizygote.

Breakthrough Genomics
Classification: Uncertain significance. Review status: criteria provided, single submitter. Criteria: ACMG Guidelines, 2015. Collection method: not provided. Allele origin: germline. Inheritance: X-linked inheritance. Affected: yes.

Natera, Inc.
Classification: Uncertain significance for Becker muscular dystrophy; Cardiomyopathy; Duchenne muscular dystrophy; Dystrophin deficiency. Last evaluated: 2019-07-15. Review status: no assertion criteria provided. Collection method: clinical testing. Allele origin: germline. Not counted in ClinVar's aggregate classification.